The following is an entry in ClinVar:

ClinVar aggregate classification (germline): Pathogenic/Likely pathogenic. Review status: criteria provided, multiple submitters, no conflicts (2 of 4 stars). 2 submissions from 2 submitters: Pathogenic (1); Likely pathogenic (1). Last evaluated 2024-03-18.

Conditions:
Meckel-Gruber syndrome. Also called: Dysencephalia splachnocystica; DYSENCEPHALIA SPLANCHNOCYSTICA; GRUBER SYNDROME. Identifiers: Orphanet 564, MedGen C0265215, MONDO:0018921.
Joubert syndrome. Also called: Familial aplasia of the vermis; CEREBELLOPARENCHYMAL DISORDER IV; JOUBERT-BOLTSHAUSER SYNDROME. Identifiers: Orphanet 475, MedGen C5979921, MONDO:0018772.
Joubert syndrome 7 (JBTS7). Identifiers: Orphanet 220497, MedGen C1969053, MONDO:0012694, OMIM 611560.
COACH syndrome 3. Identifiers: MedGen C5436841, MONDO:0030862, OMIM 619113.
Meckel syndrome, type 5 (MKS5). Identifiers: Orphanet 564, MedGen C1969052, MONDO:0012695, OMIM 611561.

Allele frequency attached by ClinVar (database versions not stated): TOPMed below 0.00001.

Submissions (2):

Fulgent Genetics
Classification: Likely pathogenic for Joubert syndrome 7; Meckel syndrome, type 5; COACH syndrome 3. Last evaluated: 2024-03-18. Review status: criteria provided, single submitter. Criteria: ACMG Guidelines, 2015. Collection method: clinical testing. Allele origin: germline.

Labcorp Genetics (formerly Invitae), Labcorp
Classification: Pathogenic for Joubert syndrome; Meckel-Gruber syndrome. Last evaluated: 2019-11-11. Review status: criteria provided, single submitter. Criteria: Invitae Variant Classification Sherloc (09022015). Collection method: clinical testing. Allele origin: germline.
Comment: This sequence change creates a premature translational stop signal (p.Leu600*) in the RPGRIP1L gene. It is expected to result in an absent or disrupted protein product. This variant is not present in population databases (ExAC no frequency). This variant has not been reported in the literature in individuals with RPGRIP1L-related conditions. Loss-of-function variants in RPGRIP1L are known to be pathogenic (PMID: 17558409). For these reasons, this variant has been classified as Pathogenic.

Literature cited by the submitters: PubMed 17558409 (cited by Labcorp Genetics (formerly Invitae), Labcorp).

NM_015272.5(RPGRIP1L):c.1799T>G (p.Leu600Ter)

Gene: RPGRIP1L (RPGRIP1 like; minus strand). Cytogenetic location: 16q12.2.
Variant type: single nucleotide variant.
Coding change: c.1799T>G on transcript NM_015272.5 (MANE Select); coding-DNA position 1799, T replaced by G.
Protein change: p.Leu600Ter; replaces leucine 600 with a stop codon.
Molecular consequence: nonsense.
Genome position (GRCh38, 1-based): chr16:53,652,888, A>C on the plus strand (T>G on the coding strand, the complement: RPGRIP1L is on the minus strand). VCF-style: chr16-53652888-A-C. GRCh37 (hg19) VCF-style: chr16-53686800-A-C.
Other names: c.1799T>G, p.Leu600Ter (NM_001127897.4, NM_001308334.3, NM_001330538.2); short protein forms L600*.
Identifiers: ClinVar variation 958511 (VCV000958511.10), dbSNP rs1966902456, ClinGen allele CA395917292.